The following is an entry in ClinVar:

ClinVar aggregate classification (germline): Uncertain significance (1 of 4 stars; one submission).

Conditions:
Progressive familial heart block type IB (PFHB1B). Identifiers: Orphanet 871, MedGen C1970298, MONDO:0011474, OMIM 604559.

Allele frequency attached by ClinVar (database versions not stated): gnomAD exomes below 0.00001.

Submission:

Labcorp Genetics (formerly Invitae), Labcorp
Classification: Uncertain significance for Progressive familial heart block type IB. Last evaluated: 2025-07-14. Review status: criteria provided, single submitter. Criteria: Invitae Variant Classification Sherloc (09022015). Collection method: clinical testing. Allele origin: germline.
Comment: This sequence change replaces methionine, which is neutral and non-polar, with valine, which is neutral and non-polar, at codon 186 of the TRPM4 protein (p.Met186Val). This variant is not present in population databases (gnomAD no frequency). This variant has not been reported in the literature in individuals affected with TRPM4-related conditions. ClinVar contains an entry for this variant (Variation ID: 468941). An algorithm developed to predict the effect of missense changes on protein structure and function (PolyPhen-2) suggests that this variant is likely to be tolerated. In summary, the available evidence is currently insufficient to determine the role of this variant in disease. Therefore, it has been classified as a Variant of Uncertain Significance.

NM_017636.4(TRPM4):c.556A>G (p.Met186Val)

Gene: TRPM4 (transient receptor potential cation channel subfamily M member 4; plus strand). Cytogenetic location: 19q13.33.
Variant type: single nucleotide variant.
Coding change: c.556A>G on transcript NM_017636.4 (MANE Select); coding-DNA position 556, A replaced by G.
Protein change: p.Met186Val; replaces methionine 186 with valine.
Molecular consequence: missense variant. On other transcripts: 5 prime UTR variant (1), intron variant (2).
Genome position (GRCh38, 1-based): chr19:49,168,367, A>G. VCF-style: chr19-49168367-A-G. GRCh37 (hg19) VCF-style: chr19-49671624-A-G.
Other names: c.556A>G, p.Met186Val (NM_001195227.2); c.-998A>G (NM_001321282.2); c.34A>G, p.Met12Val (NM_001321283.2); c.268-186A>G (NM_001321281.2); c.-237-186A>G (NM_001321285.2); short protein forms M186V, M12V.
Identifiers: ClinVar variation 468941 (VCV000468941.8), dbSNP rs1555751873, ClinGen allele CA406791550.